The following is an entry in ClinVar:

NM_173354.5(SIK1):c.1850C>T (p.Ala617Val)

Gene: SIK1 (salt inducible kinase 1; minus strand). Cytogenetic location: 21q22.3.
Variant type: single nucleotide variant.
Coding change: c.1850C>T on transcript NM_173354.5 (MANE Select); coding-DNA position 1850, C replaced by T.
Protein change: p.Ala617Val; replaces alanine 617 with valine.
Molecular consequence: missense variant.
Genome position (GRCh38, 1-based): chr21:43,417,669, G>A on the plus strand (C>T on the coding strand, the complement: SIK1 is on the minus strand). VCF-style: chr21-43417669-G-A. GRCh37 (hg19) VCF-style: chr21-44837549-G-A.
Other names: short protein forms A617V.
Identifiers: ClinVar variation 4740098 (VCV004740098.1).
Genomic context (GRCh38, chr21:43,417,669, plus strand): 5'-AGGCCTGGGCTCTGTGCAGGGGCGTGGAAGGGGCTCAGGCCGCCCCTGCTGGCCCGGCTG[G>A]CGGGGGCCTGGCACACCTGGCGAGCCAGCCCCTTGATTTTGTTCAGTCCCAGAAACCCTT-3'
Protein context (NP_775490.2, residues 607-627): GLARQVCQAP[Ala617Val]SRASRGGLSP

ClinVar aggregate classification (germline): Uncertain significance (1 of 4 stars; one submission).

Conditions:
Developmental and epileptic encephalopathy, 30 (DEE30). Also called: Epileptic encephalopathy, early infantile, 30. Identifiers: MedGen C4225360, MONDO:0014595, OMIM 616341.

Submission:

Labcorp Genetics (formerly Invitae), Labcorp
Classification: Uncertain significance for Developmental and epileptic encephalopathy, 30. Last evaluated: 2025-03-19. Review status: criteria provided, single submitter. Criteria: Invitae Variant Classification Sherloc (09022015). Collection method: clinical testing. Allele origin: germline.
Comment: This sequence change replaces alanine, which is neutral and non-polar, with valine, which is neutral and non-polar, at codon 617 of the SIK1 protein (p.Ala617Val). The frequency data for this variant in the population databases is considered unreliable, as metrics indicate poor data quality at this position in the gnomAD database. This variant has not been reported in the literature in individuals affected with SIK1-related conditions. Invitae Evidence Modeling of protein sequence and biophysical properties (such as structural, functional, and spatial information, amino acid conservation, physicochemical variation, residue mobility, and thermodynamic stability) indicates that this missense variant is not expected to disrupt SIK1 protein function with a negative predictive value of 95%. In summary, the available evidence is currently insufficient to determine the role of this variant in disease. Therefore, it has been classified as a Variant of Uncertain Significance.